The following is an entry in ClinVar:

ClinVar aggregate classification (germline): Uncertain significance (1 of 4 stars; one submission).

Submission:

Labcorp Genetics (formerly Invitae), Labcorp
Classification: Uncertain significance. Last evaluated: 2024-10-30. Review status: criteria provided, single submitter. Criteria: Invitae Variant Classification Sherloc (09022015). Collection method: clinical testing. Allele origin: germline.
Comment: This sequence change replaces glutamic acid, which is acidic and polar, with aspartic acid, which is acidic and polar, at codon 824 of the VAV1 protein (p.Glu824Asp). This variant is present in population databases (no rsID available, gnomAD 0.0009%). This variant has not been reported in the literature in individuals affected with VAV1-related conditions. An algorithm developed to predict the effect of missense changes on protein structure and function (PolyPhen-2) suggests that this variant is likely to be disruptive. In summary, the available evidence is currently insufficient to determine the role of this variant in disease. Therefore, it has been classified as a Variant of Uncertain Significance.

NM_005428.4(VAV1):c.2472G>T (p.Glu824Asp)

Gene: VAV1 (vav guanine nucleotide exchange factor 1; plus strand). Cytogenetic location: 19p13.3.
Variant type: single nucleotide variant.
Coding change: c.2472G>T on transcript NM_005428.4 (MANE Select); coding-DNA position 2472, G replaced by T.
Protein change: p.Glu824Asp; replaces glutamic acid 824 with aspartic acid.
Molecular consequence: missense variant.
Genome position (GRCh38, 1-based): chr19:6,854,086, G>T. VCF-style: chr19-6854086-G-T. GRCh37 (hg19) VCF-style: chr19-6854097-G-T.
Other names: c.2406G>T, p.Glu802Asp (NM_001258206.2); c.2376G>T, p.Glu792Asp (NM_001258207.2); short protein forms E802D, E824D, E792D.
Identifiers: ClinVar variation 3684048 (VCV003684048.2).
Genomic context (GRCh38, chr19:6,854,086, plus strand): 5'-GGAGGGTGACATCATCAAGATCCTTAACAAGAAGGGACAGCAAGGCTGGTGGCGAGGGGA[G>T]ATCTATGGCCGGGTGAGGCAGGCAGGGCTGGGTGACGGGGAGGGCATGGGGGTTGAGCTG-3'
Protein context (NP_005419.2, residues 814-834): KKGQQGWWRG[Glu824Asp]IYGRVGWFPA